The following is an entry in ClinVar:

NM_000179.3(MSH6):c.4002-14_4002-9del

Gene: MSH6 (mutS homolog 6; plus strand). Cytogenetic location: 2p16.3.
Variant type: Deletion.
Coding change: c.4002-14_4002-9del on transcript NM_000179.3 (MANE Select); 14 bases into the intron before coding-DNA position 4002 through 9 bases into the intron before coding-DNA position 4002, 6 bases deleted (TTTTTA; older notation c.4002-14_4002-9delTTTTTA).
Molecular consequence: intron variant.
Genome position (GRCh38, 1-based): chr2:47,806,765-47,806,770, TTTTTA deleted. VCF-style (leftmost placement, unchanged base first): chr2-47806764-TTTTTTA-T. GRCh37 (hg19) VCF-style: chr2-48033903-TTTTTTA-T.
Other names: c.4002-14_4002-9delTTTTTA (NM_000179.2); c.3096-14_3096-9del (NM_001281493.2, NM_001281494.2); c.3612-14_3612-9del (NM_001281492.2).
Identifiers: ClinVar variation 491972 (VCV000491972.12), dbSNP rs1553333934, ClinGen allele CA658683262.

ClinVar aggregate classification (germline): Likely benign. Review status: criteria provided, multiple submitters, no conflicts (2 of 4 stars). 3 submissions from 3 submitters: Likely benign (3). Last evaluated 2025-01-09.

Conditions:
Lynch syndrome 5 (LYNCH5). Also called: Colorectal cancer, hereditary nonpolyposis, type 5; Hereditary non-polyposis colorectal cancer, type 5. Identifiers: Orphanet 144, MedGen C1833477, MONDO:0013710, OMIM 614350. Disease mechanism: loss of function.
Hereditary nonpolyposis colorectal neoplasms. Identifiers: MedGen C0009405, MeSH D003123.
Hereditary cancer-predisposing syndrome. Also called: Hereditary neoplastic syndrome; Tumor predisposition; Hereditary Cancer Syndrome; Neoplastic Syndromes, Hereditary. Identifiers: Orphanet 140162, MedGen C0027672, MeSH D009386, MONDO:0015356.

Submissions (3):

Myriad Genetics, Inc.
Classification: Likely benign for Lynch syndrome 5. Last evaluated: 2025-01-09. Review status: criteria provided, single submitter. Criteria: Myriad Autosomal Dominant, Autosomal Recessive and X-Linked Classification Criteria (2023). Collection method: clinical testing. Allele origin: unknown.
Comment: This variant is considered likely benign. This variant is intronic and is not expected to impact mRNA splicing.

Labcorp Genetics (formerly Invitae), Labcorp
Classification: Likely benign for Hereditary nonpolyposis colorectal neoplasms. Last evaluated: 2021-09-10. Review status: criteria provided, single submitter. Criteria: Invitae Variant Classification Sherloc (09022015). Collection method: clinical testing. Allele origin: germline.

Color Diagnostics, LLC DBA Color Health
Classification: Likely benign for Hereditary cancer-predisposing syndrome. Last evaluated: 2017-04-20. Review status: criteria provided, single submitter. Criteria: ACMG Guidelines, 2015. Collection method: clinical testing. Allele origin: germline.